The following is an entry in ClinVar:

NM_002160.4(TNC):c.4499C>G (p.Pro1500Arg)

Gene: TNC (tenascin C; minus strand). Cytogenetic location: 9q33.1.
Variant type: single nucleotide variant.
Coding change: c.4499C>G on transcript NM_002160.4 (MANE Select); coding-DNA position 4499, C replaced by G.
Protein change: p.Pro1500Arg; replaces proline 1500 with arginine.
Molecular consequence: missense variant.
Genome position (GRCh38, 1-based): chr9:115,057,233, G>C on the plus strand (C>G on the coding strand, the complement: TNC is on the minus strand). VCF-style: chr9-115057233-G-C. GRCh37 (hg19) VCF-style: chr9-117819512-G-C.
Other names: c.4226C>G, p.Pro1409Arg (NM_001410991.1); short protein forms P1500R, P1409R.
Identifiers: ClinVar variation 2374464 (VCV002374464.3), dbSNP rs371105552, ClinGen allele CA5207924.

ClinVar aggregate classification (germline): Conflicting classifications of pathogenicity. Review status: criteria provided, conflicting classifications (1 of 4 stars). 2 submissions from 2 submitters: Uncertain significance (1); Likely benign (1). Last evaluated 2025-10-20.

Conditions:
TNC-related disorder. Also called: TNC-related condition.

Allele frequency attached by ClinVar (database versions not stated): gnomAD exomes 0.00002; ExAC 0.00009; 1000 Genomes Project 0.00020; ESP Exome Variant Server 0.00023; gnomAD 0.00024; TOPMed 0.00027; 1000 Genomes Project 30x 0.00031.
gnomAD v4.1: 65 of 1,614,160 alleles (0.004%); highest among the groups gnomAD compares: African/African-American, 0.087%; no homozygotes.

Submissions (2):

PreventionGenetics, part of Exact Sciences
Classification: Likely benign for TNC-related condition. Last evaluated: 2025-10-20. Review status: criteria provided, single submitter. Criteria: ACMG Guidelines, 2015. Collection method: clinical testing. Allele origin: germline.
Comment: This variant is classified as likely benign based on ACMG/AMP sequence variant interpretation guidelines (Richards et al. 2015 PMID: 25741868, with internal and published modifications).

Ambry Genetics
Classification: Uncertain significance. Last evaluated: 2021-09-17. Review status: criteria provided, single submitter. Criteria: Ambry Variant Classification Scheme 2023. Collection method: clinical testing. Allele origin: germline.